The following is an entry in ClinVar:

ClinVar aggregate classification (germline): Uncertain significance (1 of 4 stars; one submission).

Conditions:
AFF4-related disorder. Also called: AFF4-related condition.

gnomAD v4.1: 1 of 1,612,082 alleles (0.000062%); highest among the groups gnomAD compares: African/African-American, 0.0013%; no homozygotes.

Submission:

PreventionGenetics, part of Exact Sciences
Classification: Uncertain significance for AFF4-related condition. Last evaluated: 2024-12-14. Review status: criteria provided, single submitter. Criteria: ACMG Guidelines, 2015. Collection method: clinical testing. Allele origin: germline.
Comment: The AFF4 c.1045A>G variant is predicted to result in the amino acid substitution p.Thr349Ala. To our knowledge, this variant has not been reported in the literature or in a large population database (gnomAD), indicating this variant is rare. At this time, the clinical significance of this variant is uncertain due to the absence of conclusive functional and genetic evidence.

NM_014423.4(AFF4):c.1045A>G (p.Thr349Ala)

Gene: AFF4 (ALF transcription elongation factor 4; minus strand). Cytogenetic location: 5q31.1.
Variant type: single nucleotide variant.
Coding change: c.1045A>G on transcript NM_014423.4 (MANE Select); coding-DNA position 1045, A replaced by G.
Protein change: p.Thr349Ala; replaces threonine 349 with alanine.
Molecular consequence: missense variant.
Genome position (GRCh38, 1-based): chr5:132,927,126, T>C on the plus strand (A>G on the coding strand, the complement: AFF4 is on the minus strand). VCF-style: chr5-132927126-T-C. GRCh37 (hg19) VCF-style: chr5-132262818-T-C.
Other names: short protein forms T349A.
Identifiers: ClinVar variation 4999479 (VCV004999479.1).
Genomic context (GRCh38, chr5:132,927,126, plus strand): 5'-AGTCAAGCCATTTAGAGTTTTCTTACATTATGAAAGATACATTTTATTTACTTACCTTAG[T>C]TGGAAAAGGAAATTTGGAAGGTTCTGTTTTGCATGGTGTATGAATAGCCGTTAGAGGGGG-3'
Protein context (NP_055238.1, residues 339-359): KTEPSKFPFP[Thr349Ala]KESQQSNFGT